The following is an entry in ClinVar:

NM_001848.3(COL6A1):c.349G>A (p.Val117Met)

Gene: COL6A1 (collagen type VI alpha 1 chain; plus strand). Cytogenetic location: 21q22.3.
Variant type: single nucleotide variant.
Coding change: c.349G>A on transcript NM_001848.3 (MANE Select); coding-DNA position 349, G replaced by A.
Protein change: p.Val117Met; replaces valine 117 with methionine.
Molecular consequence: missense variant.
Genome position (GRCh38, 1-based): chr21:45,984,390, G>A. VCF-style: chr21-45984390-G-A. GRCh37 (hg19) VCF-style: chr21-47404304-G-A.
Other names: p.V117M:GTG>ATG; short protein forms V117M.
Identifiers: ClinVar variation 128813 (VCV000128813.72), dbSNP rs150686304, ClinGen allele CA231047.

ClinVar aggregate classification (germline): Conflicting classifications of pathogenicity. Review status: criteria provided, conflicting classifications (1 of 4 stars). 8 submissions from 8 submitters: Uncertain significance (2); Likely benign (6). Last evaluated 2026-01-20.

Conditions:
Ullrich congenital muscular dystrophy 1A. Also called: Ullrich congenital muscular dystrophy 1; Intermediate COL6-RD. Identifiers: Orphanet 75840, MedGen C0410179, MONDO:0009681, OMIM 254090.
Bethlem myopathy 1A. Also called: Bethlem myopathy 1; Bethlem Muscular Dystrophy; MYOPATHY, BENIGN CONGENITAL, WITH CONTRACTURES. Identifiers: Orphanet 610, MedGen CN029274, MONDO:0024530, OMIM 158810.
Collagen 6-related myopathy. Identifiers: MedGen CN117976, MONDO:0100225.

Allele frequency attached by ClinVar (database versions not stated): ESP Exome Variant Server 0.00038; gnomAD 0.00038 and 0.00057; TOPMed 0.00049; gnomAD exomes 0.00064 and 0.00125; ExAC 0.00143; 1000 Genomes Project 30x 0.00156; 1000 Genomes Project 0.00160.
gnomAD v4.1: 1,045 of 1,612,754 alleles (0.065%); highest among the groups gnomAD compares: South Asian, 0.73%; 14 homozygotes.

Submissions (8):

Labcorp Genetics (formerly Invitae), Labcorp
Classification: Likely benign for Bethlem myopathy 1A. Last evaluated: 2026-01-20. Review status: criteria provided, single submitter. Criteria: Invitae Variant Classification Sherloc (09022015). Collection method: clinical testing. Allele origin: germline.

CeGaT Center for Human Genetics Tuebingen
Classification: Likely benign. Last evaluated: 2025-07-01. Review status: criteria provided, single submitter. Criteria: CeGaT Center For Human Genetics Tuebingen Variant Classification Criteria Version 2. Collection method: clinical testing. Allele origin: germline. Affected: yes. Observed: 5 variant alleles.
Comment: COL6A1: BS2

GeneDx
Classification: Likely benign. Last evaluated: 2020-02-24. Review status: criteria provided, single submitter. Criteria: GeneDx Variant Classification Process June 2021. Collection method: clinical testing. Allele origin: germline. Affected: yes.
Comment: This variant is associated with the following publications: (PMID: 24038877, 30467950)

Fulgent Genetics
Classification: Uncertain significance for Bethlem myopathy 1A; Ullrich congenital muscular dystrophy 1A. Last evaluated: 2017-05-23. Review status: criteria provided, single submitter. Criteria: ACMG Guidelines, 2015. Collection method: clinical testing. Allele origin: unknown.

Illumina Laboratory Services, Illumina
Classification: Likely benign for Collagen VI-related myopathy. Last evaluated: 2017-04-28. Review status: criteria provided, single submitter. Criteria: ICSL Variant Classification Criteria 13 December 2019. Collection method: clinical testing. Allele origin: germline.
Comment: This variant was observed as part of a predisposition screen in an ostensibly healthy population. A literature search was performed for the gene, cDNA change, and amino acid change (where applicable). Publications were found based on this search. The evidence from the literature, in combination with allele frequency data from public databases where available, was sufficient to determine this variant is unlikely to cause disease. Therefore, this variant is classified as likely benign.

Eurofins Ntd Llc (ga)
Classification: Likely benign. Last evaluated: 2015-09-22. Review status: criteria provided, single submitter. Criteria: EGL Classification Definitions 2015. Collection method: clinical testing. Allele origin: germline. Observed: 1 variant allele, 1 heterozygote.

Genetic Services Laboratory, University of Chicago
Classification: Uncertain significance. Last evaluated: 2014-02-25. Review status: criteria provided, single submitter. Criteria: ACMG Guidelines, 2007. Collection method: clinical testing. Allele origin: germline.

PreventionGenetics, part of Exact Sciences
Classification: Likely benign. Review status: criteria provided, single submitter. Criteria: ACMG Guidelines, 2015. Collection method: clinical testing. Allele origin: germline.

Literature cited by the submitters: PubMed 24038877 (cited by Illumina Laboratory Services, Illumina).